The following is an entry in ClinVar:

NM_000246.4(CIITA):c.2365C>T (p.Leu789Phe)

Gene: CIITA (class II major histocompatibility complex transactivator; plus strand). Cytogenetic location: 16p13.13.
Variant type: single nucleotide variant.
Coding change: c.2365C>T on transcript NM_000246.4 (MANE Select); coding-DNA position 2365, C replaced by T.
Protein change: p.Leu789Phe; replaces leucine 789 with phenylalanine.
Molecular consequence: missense variant. On other transcripts: intron variant (1).
Genome position (GRCh38, 1-based): chr16:10,907,857, C>T. VCF-style: chr16-10907857-C-T. GRCh37 (hg19) VCF-style: chr16-11001714-C-T.
Other names: c.2368C>T, p.Leu790Phe (NM_001286402.1, NM_001379332.1); c.2221C>T, p.Leu741Phe (NM_001379330.1); c.2218C>T, p.Leu740Phe (NM_001379331.1); c.2365C>T, p.Leu789Phe (NM_001379333.1); c.2296C>T, p.Leu766Phe (NM_001379334.1); c.860-1126C>T (NM_001286403.2); c.2365C>T (NM_000246.3); short protein forms L741F, L790F, L740F, L766F, L789F.
Identifiers: ClinVar variation 1504439 (VCV001504439.8), dbSNP rs2144739803, ClinGen allele CA394733127.

ClinVar aggregate classification (germline): Uncertain significance. Review status: criteria provided, single submitter (1 of 4 stars). 2 submissions from 2 submitters: Uncertain significance (1). 1 of the submissions does not count toward it. Last evaluated 2024-10-16.

Conditions:
MHC class II deficiency. Also called: Bare lymphocyte syndrome 2; BLS, TYPE II. Identifiers: Orphanet 572, MedGen C5447452, MONDO:0008855.

Allele frequency attached by ClinVar (database versions not stated): gnomAD exomes below 0.00001.
gnomAD v4.1: 1 of 1,611,414 alleles (0.000062%); no homozygotes.

Submissions (2):

Labcorp Genetics (formerly Invitae), Labcorp
Classification: Uncertain significance for MHC class II deficiency. Last evaluated: 2024-10-16. Review status: criteria provided, single submitter. Criteria: Invitae Variant Classification Sherloc (09022015). Collection method: clinical testing. Allele origin: germline.
Comment: This sequence change replaces leucine, which is neutral and non-polar, with phenylalanine, which is neutral and non-polar, at codon 789 of the CIITA protein (p.Leu789Phe). This variant is not present in population databases (gnomAD no frequency). This variant has not been reported in the literature in individuals affected with CIITA-related conditions. ClinVar contains an entry for this variant (Variation ID: 1504439). An algorithm developed to predict the effect of missense changes on protein structure and function (PolyPhen-2) suggests that this variant is likely to be disruptive. In summary, the available evidence is currently insufficient to determine the role of this variant in disease. Therefore, it has been classified as a Variant of Uncertain Significance.

Natera, Inc.
Classification: Uncertain significance for Bare lymphocyte syndrome type II. Last evaluated: 2025-01-27. Review status: no assertion criteria provided. Collection method: clinical testing. Allele origin: germline. Not counted in ClinVar's aggregate classification.